The following is an entry in ClinVar:

NM_001286577.2(C2CD3):c.2504A>T (p.Lys835Ile)

Gene: C2CD3 (C2 domain containing 3 centriole elongation regulator; minus strand). Cytogenetic location: 11q13.4.
Variant type: single nucleotide variant.
Coding change: c.2504A>T on transcript NM_001286577.2 (MANE Select); coding-DNA position 2504, A replaced by T.
Protein change: p.Lys835Ile; replaces lysine 835 with isoleucine.
Molecular consequence: missense variant.
Genome position (GRCh38, 1-based): chr11:74,103,207, T>A on the plus strand (A>T on the coding strand, the complement: C2CD3 is on the minus strand). VCF-style: chr11-74103207-T-A. GRCh37 (hg19) VCF-style: chr11-73814252-T-A.
Other names: c.2504A>T, p.Lys835Ile (NM_015531.6); short protein forms K835I.
Identifiers: ClinVar variation 1311851 (VCV001311851.5), dbSNP rs779366546, ClinGen allele CA6182634.

ClinVar aggregate classification (germline): Uncertain significance. Review status: criteria provided, multiple submitters, no conflicts (2 of 4 stars). 2 submissions from 2 submitters: Uncertain significance (2). Last evaluated 2025-12-09.

Conditions:
Orofaciodigital syndrome type 14. Also called: Orofaciodigital syndrome xiv. Identifiers: Orphanet 434179, MedGen C4706604, MONDO:0014413, OMIM 615948.

Allele frequency attached by ClinVar (database versions not stated): gnomAD 0.00001.
gnomAD v4.1: 9 of 1,614,090 alleles (0.00056%); highest among the groups gnomAD compares: Admixed American, 0.015%; no homozygotes.

Submissions (2):

3billion
Classification: Uncertain significance for Orofaciodigital syndrome type 14. Last evaluated: 2025-12-09. Review status: criteria provided, single submitter. Criteria: ACMG Guidelines, 2015. Collection method: clinical testing. Allele origin: germline. Affected: yes.
Comment: The variant is observed at an extremely low frequency in the gnomAD v4.1.0 dataset (total allele frequency: <0.001%). Predicted Consequence/Location: Missense variant. The majority of the known disease-causing variants of this gene are variants expected to result in premature termination of the protein. In silico tool prediction suggests damaging effect of the variant on gene or gene product [REVEL: 0.82 (>=0.6, sensitivity 0.68 and specificity 0.92)]. The variant has been reported as of uncertain significance (ClinVar ID: VCV001311851). Therefore, this variant is classified as VUS according to the recommendation of ACMG/AMP guideline.

GeneDx
Classification: Uncertain significance. Last evaluated: 2025-07-22. Review status: criteria provided, single submitter. Criteria: GeneDx Variant Classification Process June 2021. Collection method: clinical testing. Allele origin: germline. Affected: yes.
Comment: In silico analysis supports that this missense variant has a deleterious effect on protein structure/function; Has not been previously published as pathogenic or benign to our knowledge